The following is an entry in ClinVar:

ClinVar aggregate classification (germline): Conflicting classifications of pathogenicity. Review status: criteria provided, conflicting classifications (1 of 4 stars). 13 submissions from 9 submitters: Uncertain significance (11); Benign (2). Last evaluated 2026-06-22.

Conditions:
TTN-related disorder. Also called: TTN-related condition; TTN-related disease; TTN-related disorders.
Cardiovascular phenotype. Identifiers: MedGen CN230736.
Dilated cardiomyopathy 1G (CMD1G). Identifiers: Orphanet 154, MedGen C1858763, MONDO:0011400, OMIM 604145.
Autosomal recessive limb-girdle muscular dystrophy type 2J (LGMDR10). Also called: Limb-girdle muscular dystrophy, type 2J; MUSCULAR DYSTROPHY, LIMB-GIRDLE, AUTOSOMAL RECESSIVE 10. Identifiers: Orphanet 140922, MedGen C1837342, MONDO:0012127, OMIM 608807.
Myopathy, myofibrillar, 9, with early respiratory failure (MFM9). Also called: Myopathy, distal, with early respiratory failure, autosomal dominant; MYOPATHY, PROXIMAL, WITH EARLY RESPIRATORY MUSCLE INVOLVEMENT; Hereditary myopathy with early respiratory failure; EDSTROM MYOPATHY. Identifiers: Orphanet 178464, Orphanet 34521, MedGen C1863599, MONDO:0011362, OMIM 603689.
Tibial muscular dystrophy (TMD). Also called: Tibial muscular dystrophy, tardive; Udd Distal Myopathy – Tibial Muscular Dystrophy; UDD MYOPATHY. Identifiers: Orphanet 609, MedGen C1838244, MONDO:0010870, OMIM 600334.
Early-onset myopathy with fatal cardiomyopathy (CMYO5). Also called: Salih Myopathy; CONGENITAL MYOPATHY 5 WITH CARDIOMYOPATHY. Identifiers: Orphanet 289377, MedGen C2673677, MONDO:0012714, OMIM 611705. Disease mechanism: loss of function.

Allele frequency attached by ClinVar (database versions not stated): gnomAD 0.00001; ExAC 0.00002; TOPMed 0.00002; gnomAD exomes 0.00003.
gnomAD v4.1: 50 of 1,613,470 alleles (0.0031%); highest among the groups gnomAD compares: Admixed American, 0.01%; no homozygotes.

Submissions (13):

PreventionGenetics, part of Exact Sciences
Classification: Uncertain significance for TTN-related condition. Last evaluated: 2026-06-22. Review status: criteria provided, single submitter. Criteria: ACMG Guidelines, 2015. Collection method: clinical testing. Allele origin: germline.
Comment: The TTN c.91352G>A variant is predicted to result in the amino acid substitution p.Gly30451Asp. To our knowledge, this variant has not been reported in the literature. This variant is reported in 0.012% of alleles in individuals of Latino descent in gnomAD. At this time, the clinical significance of this variant is uncertain due to the absence of conclusive functional and genetic evidence.

Mayo Clinic Laboratories, Mayo Clinic
Classification: Uncertain significance. Last evaluated: 2025-10-12. Review status: criteria provided, single submitter. Criteria: ACMG Guidelines, 2015. Collection method: clinical testing. Allele origin: germline. Observed: 1 variant allele.

Women's Health and Genetics/Laboratory Corporation of America, LabCorp
Classification: Uncertain significance. Last evaluated: 2025-01-17. Review status: criteria provided, single submitter. Criteria: LabCorp Variant Classification Summary - May 2015. Collection method: clinical testing. Allele origin: germline.

Revvity Omics, Revvity
Classification: Uncertain significance. Last evaluated: 2024-05-21. Review status: criteria provided, single submitter. Criteria: ACMG Guidelines, 2015. Collection method: clinical testing. Allele origin: germline.

Ambry Genetics
Classification: Uncertain significance for Cardiovascular phenotype. Last evaluated: 2019-07-11. Review status: criteria provided, single submitter. Criteria: Ambry Variant Classification Scheme 2023. Collection method: clinical testing. Allele origin: germline.
Comment: The p.G21386D variant (also known as c.64157G>A), located in coding exon 163 of the TTN gene, results from a G to A substitution at nucleotide position 64157. The glycine at codon 21386 is replaced by aspartic acid, an amino acid with similar properties. This amino acid position is highly conserved in available vertebrate species. In addition, the in silico prediction for this alteration is inconclusive. Since supporting evidence is limited at this time, the clinical significance of this alteration remains unclear.

Illumina Laboratory Services, Illumina
Classification: Uncertain significance for Autosomal recessive limb-girdle muscular dystrophy type 2J. Last evaluated: 2018-01-13. Review status: criteria provided, single submitter. Criteria: ICSL Variant Classification Criteria 13 December 2019. Collection method: clinical testing. Allele origin: germline.

Illumina Laboratory Services, Illumina
Classification: Benign for Tibial muscular dystrophy. Last evaluated: 2018-01-13. Review status: criteria provided, single submitter. Criteria: ICSL Variant Classification Criteria 13 December 2019. Collection method: clinical testing. Allele origin: germline.
Comment: This variant was observed in the ICSL laboratory as part of a predisposition screen in an ostensibly healthy population. It had not been previously curated by ICSL or reported in the Human Gene Mutation Database (HGMD: prior to June 1st, 2018), and was therefore a candidate for classification through an automated scoring system. Utilizing variant allele frequency, disease prevalence and penetrance estimates, and inheritance mode, an automated score was calculated to assess if this variant is too frequent to cause the disease. Based on the score and internal cut-off values, a variant classified as benign is not then subjected to further curation. The score for this variant resulted in a classification of benign for this disease.

Illumina Laboratory Services, Illumina
Classification: Benign for Myopathy, myofibrillar, 9, with early respiratory failure. Last evaluated: 2018-01-13. Review status: criteria provided, single submitter. Criteria: ICSL Variant Classification Criteria 13 December 2019. Collection method: clinical testing. Allele origin: germline.
Comment: the same text as in the submission from Illumina Laboratory Services, Illumina above.

Illumina Laboratory Services, Illumina
Classification: Uncertain significance for Early-onset myopathy with fatal cardiomyopathy. Last evaluated: 2018-01-13. Review status: criteria provided, single submitter. Criteria: ICSL Variant Classification Criteria 13 December 2019. Collection method: clinical testing. Allele origin: germline.

Illumina Laboratory Services, Illumina
Classification: Uncertain significance for Dilated cardiomyopathy 1G. Last evaluated: 2018-01-13. Review status: criteria provided, single submitter. Criteria: ICSL Variant Classification Criteria 13 December 2019. Collection method: clinical testing. Allele origin: germline.

Labcorp Genetics (formerly Invitae), Labcorp
Classification: Uncertain significance for Dilated cardiomyopathy 1G; Autosomal recessive limb-girdle muscular dystrophy type 2J. Last evaluated: 2017-09-05. Review status: criteria provided, single submitter. Criteria: Invitae Variant Classification Sherloc (09022015). Collection method: clinical testing. Allele origin: germline.

Eurofins Ntd Llc (ga)
Classification: Uncertain significance. Last evaluated: 2015-09-25. Review status: criteria provided, single submitter. Criteria: EGL Classification Definitions 2015. Collection method: clinical testing. Allele origin: germline. Observed: 2 variant alleles, 2 heterozygotes.

GeneDx
Classification: Uncertain significance. Last evaluated: 2013-03-04. Review status: criteria provided, single submitter. Criteria: GeneDx Variant Classification (06012015). Collection method: clinical testing. Allele origin: germline. Affected: yes.
Comment: Missense variants in the TTN gene are considered 'unclassified' if they are not previously reported in the literature and do not have >1% frequency in the population to be considered a polymorphism. Research indicates that truncating mutations in the TTN gene are expected to account for approximately 25% of familial and 18% of sporadic idiopathic DCM; however, truncating variants in the TTN gene have been reported in approximately 3% of reported control alleles. There has been little investigation into non-truncating variants. (Herman D et al. Truncations of titin causing dilated cardiomyopathy. N Eng J Med 366:619-628, 2012) The variant is found in DCM panel(s).

NM_001267550.2(TTN):c.91352G>A (p.Gly30451Asp)

Genes: TTN (titin; minus strand), TTN-AS1 (TTN antisense RNA 1; plus strand). Cytogenetic location: 2q31.2.
Variant type: single nucleotide variant.
Coding change: c.91352G>A on transcript NM_001267550.2 (MANE Select); coding-DNA position 91352, G replaced by A.
Protein change: p.Gly30451Asp; replaces glycine 30451 with aspartic acid.
Molecular consequence: missense variant.
Genome position (GRCh38, 1-based): chr2:178,551,179, C>T on the plus strand (G>A on the coding strand, the complement: TTN is on the minus strand). VCF-style: chr2-178551179-C-T. GRCh37 (hg19) VCF-style: chr2-179415906-C-T.
Other names: p.G28810D:GGC>GAC; p.Gly27883Asp; c.86429G>A, p.Gly28810Asp (NM_001256850.1); c.64157G>A, p.Gly21386Asp (NM_003319.4); c.83648G>A, p.Gly27883Asp (NM_133378.4); c.64532G>A, p.Gly21511Asp (NM_133432.3); c.64733G>A, p.Gly21578Asp (NM_133437.4); short protein forms G28810D, G30451D, G27883D, G21578D, G21386D, G21511D.
Identifiers: ClinVar variation 202978 (VCV000202978.19), dbSNP rs751610164, ClinGen allele CA310872.